The following is an entry in ClinVar:

ClinVar aggregate classification (germline): Uncertain significance (1 of 4 stars; one submission).

Conditions:
Primary dilated cardiomyopathy (DCM). Also called: Dilated Cardiomyopathy. Identifiers: Orphanet 217604, MedGen C0007193, MeSH D002311, MONDO:0005021, HP:0001644. Inheritance: Various modes of inheritance.
Hypertrophic cardiomyopathy. Also called: HYPERTROPHIC MYOCARDIOPATHY. Identifiers: Orphanet 217569, MedGen C0007194, MeSH D002312, MONDO:0005045, HP:0001639.

Submission:

Labcorp Genetics (formerly Invitae), Labcorp
Classification: Uncertain significance for Hypertrophic cardiomyopathy; Primary dilated cardiomyopathy. Last evaluated: 2021-07-14. Review status: criteria provided, single submitter. Criteria: Invitae Variant Classification Sherloc (09022015). Collection method: clinical testing. Allele origin: germline.
Comment: This sequence change replaces arginine with glycine at codon 235 of the PDLIM3 protein (p.Arg235Gly). The arginine residue is highly conserved and there is a moderate physicochemical difference between arginine and glycine. This variant is not present in population databases (ExAC no frequency). This variant has not been reported in the literature in individuals affected with PDLIM3-related conditions. Algorithms developed to predict the effect of missense changes on protein structure and function are either unavailable or do not agree on the potential impact of this missense change (SIFT: "Deleterious"; PolyPhen-2: "Benign"; Align-GVGD: "Class C45"). In summary, the available evidence is currently insufficient to determine the role of this variant in disease. Therefore, it has been classified as a Variant of Uncertain Significance.

NM_014476.6(PDLIM3):c.703C>G (p.Arg235Gly)

Gene: PDLIM3 (PDZ and LIM domain 3; minus strand). Cytogenetic location: 4q35.1.
Variant type: single nucleotide variant.
Coding change: c.703C>G on transcript NM_014476.6 (MANE Select); coding-DNA position 703, C replaced by G.
Protein change: p.Arg235Gly; replaces arginine 235 with glycine.
Molecular consequence: missense variant. On other transcripts: non-coding transcript variant (1).
Genome position (GRCh38, 1-based): chr4:185,506,612, G>C on the plus strand (C>G on the coding strand, the complement: PDLIM3 is on the minus strand). VCF-style: chr4-185506612-G-C. GRCh37 (hg19) VCF-style: chr4-186427766-G-C.
Other names: c.559C>G, p.Arg187Gly (NM_001114107.5); c.439C>G, p.Arg147Gly (NM_001257962.2); c.202C>G, p.Arg68Gly (NM_001257963.2); short protein forms R68G, R187G, R235G, R147G.
Identifiers: ClinVar variation 1405571 (VCV001405571.8), dbSNP rs751273771, ClinGen allele CA358922890.